The following is an entry in ClinVar:

ClinVar aggregate classification (germline): Uncertain significance (1 of 4 stars; one submission).

Allele frequency attached by ClinVar (database versions not stated): TOPMed below 0.00001.

Submission:

Labcorp Genetics (formerly Invitae), Labcorp
Classification: Uncertain significance. Last evaluated: 2024-10-28. Review status: criteria provided, single submitter. Criteria: Invitae Variant Classification Sherloc (09022015). Collection method: clinical testing. Allele origin: germline.
Comment: This sequence change falls in intron 11 of the MCM4 gene. It does not directly change the encoded amino acid sequence of the MCM4 protein. It affects a nucleotide within the consensus splice site. This variant is not present in population databases (gnomAD no frequency). This variant has not been reported in the literature in individuals affected with MCM4-related conditions. ClinVar contains an entry for this variant (Variation ID: 1445051). Variants that disrupt the consensus splice site are a relatively common cause of aberrant splicing (PMID: 17576681, 9536098). Algorithms developed to predict the effect of sequence changes on RNA splicing suggest that this variant is not likely to affect RNA splicing. In summary, the available evidence is currently insufficient to determine the role of this variant in disease. Therefore, it has been classified as a Variant of Uncertain Significance.

Literature cited by the submitters: PubMed 17576681; PubMed 9536098.

NM_182746.3(MCM4):c.1800+3G>A

Gene: MCM4 (minichromosome maintenance complex component 4; plus strand). Cytogenetic location: 8q11.21.
Variant type: single nucleotide variant.
Coding change: c.1800+3G>A on transcript NM_182746.3 (MANE Select); 3 bases into the intron after coding-DNA position 1800, G replaced by A.
Molecular consequence: intron variant.
Genome position (GRCh38, 1-based): chr8:47,970,879, G>A. VCF-style: chr8-47970879-G-A. GRCh37 (hg19) VCF-style: chr8-48883439-G-A.
Other names: c.1800+3G>A (NM_005914.4).
Identifiers: ClinVar variation 1445051 (VCV001445051.6), dbSNP rs2090947698, ClinGen allele CA1781918272.